The following is an entry in ClinVar:

ClinVar aggregate classification (germline): Uncertain significance (1 of 4 stars; one submission).

Submission:

CeGaT Center for Human Genetics Tuebingen
Classification: Uncertain significance. Last evaluated: 2023-02-01. Review status: criteria provided, single submitter. Criteria: CeGaT Center For Human Genetics Tuebingen Variant Classification Criteria Version 2. Collection method: clinical testing. Allele origin: germline. Affected: yes. Observed: 1 variant allele.
Comment: MEFV: PM2, BP4

NM_000243.3(MEFV):c.1876T>A (p.Trp626Arg)

Genes: MEFV (MEFV innate immunity regulator, pyrin; minus strand), LOC126862264 (CDK7 strongly-dependent group 2 enhancer GRCh37_chr16:3293322-3294521; plus strand). Cytogenetic location: 16p13.3.
Variant type: single nucleotide variant.
Coding change: c.1876T>A on transcript NM_000243.3 (MANE Select); coding-DNA position 1876, T replaced by A.
Protein change: p.Trp626Arg; replaces tryptophan 626 with arginine.
Molecular consequence: missense variant. On other transcripts: 3 prime UTR variant (1).
Genome position (GRCh38, 1-based): chr16:3,243,611, A>T on the plus strand (T>A on the coding strand, the complement: MEFV is on the minus strand). VCF-style: chr16-3243611-A-T. GRCh37 (hg19) VCF-style: chr16-3293611-A-T.
Other names: c.*80T>A (NM_001198536.2); short protein forms W626R.
Identifiers: ClinVar variation 2498647 (VCV002498647.28), dbSNP rs377591832, ClinGen allele CA394488032.